The following is an entry in ClinVar:

NM_001379200.1(TBX1):c.619G>C (p.Asp207His)

Gene: TBX1 (T-box transcription factor 1; plus strand). Cytogenetic location: 22q11.21.
Variant type: single nucleotide variant.
Coding change: c.619G>C on transcript NM_001379200.1 (MANE Select); coding-DNA position 619, G replaced by C.
Protein change: p.Asp207His; replaces aspartic acid 207 with histidine.
Molecular consequence: missense variant.
Genome position (GRCh38, 1-based): chr22:19,764,234, G>C. VCF-style: chr22-19764234-G-C. GRCh37 (hg19) VCF-style: chr22-19751757-G-C.
Other names: c.592G>C, p.Asp198His (NM_005992.1, NM_080646.2, NM_080647.1); short protein forms D198H, D207H.
Identifiers: ClinVar variation 3228970 (VCV003228970.1), dbSNP rs2517850047, ClinGen allele CA410682862.

ClinVar aggregate classification (germline): Uncertain significance (1 of 4 stars; one submission).

Conditions:
Cardiovascular phenotype. Identifiers: MedGen CN230736.

Submission:

Ambry Genetics
Classification: Uncertain significance for Cardiovascular phenotype. Last evaluated: 2023-11-21. Review status: criteria provided, single submitter. Criteria: Ambry Variant Classification Scheme 2023. Collection method: clinical testing. Allele origin: germline.
Comment: The p.D198H variant (also known as c.592G>C), located in coding exon 4 of the TBX1 gene, results from a G to C substitution at nucleotide position 592. The aspartic acid at codon 198 is replaced by histidine, an amino acid with similar properties. This amino acid position is conserved. In addition, this alteration is predicted to be deleterious by in silico analysis. Since supporting evidence is limited at this time, the clinical significance of this alteration remains unclear.